The following is an entry in ClinVar:

ClinVar aggregate classification (germline): Likely pathogenic (1 of 4 stars; one submission).

Conditions:
Hyperekplexia 3 (HKPX3). Also called: HYPEREKPLEXIA 3, AUTOSOMAL RECESSIVE; HYPEREKPLEXIA 3, AUTOSOMAL DOMINANT. Identifiers: Orphanet 3197, MedGen C3553288, MONDO:0013827, OMIM 614618.

Submission:

Labcorp Genetics (formerly Invitae), Labcorp
Classification: Likely pathogenic for Hyperekplexia 3. Last evaluated: 2025-03-16. Review status: criteria provided, single submitter. Criteria: Invitae Variant Classification Sherloc (09022015). Collection method: clinical testing. Allele origin: germline.
Comment: This sequence change affects an acceptor splice site in intron 10 of the SLC6A5 gene. It is expected to disrupt RNA splicing. Variants that disrupt the donor or acceptor splice site typically lead to a loss of protein function (PMID: 16199547), and loss-of-function variants in SLC6A5 are known to be pathogenic (PMID: 14622583, 16751771, 22700964). This variant is not present in population databases (gnomAD no frequency). This variant has not been reported in the literature in individuals affected with SLC6A5-related conditions. Algorithms developed to predict the effect of sequence changes on RNA splicing suggest that this variant may disrupt the consensus splice site. In summary, the currently available evidence indicates that the variant is pathogenic, but additional data are needed to prove that conclusively. Therefore, this variant has been classified as Likely Pathogenic.

Literature cited by the submitters: PubMed 16199547; PubMed 14622583; PubMed 16751771; PubMed 22700964.

NM_004211.5(SLC6A5):c.1625-2A>G

Gene: SLC6A5 (solute carrier family 6 member 5; plus strand). Cytogenetic location: 11p15.1.
Variant type: single nucleotide variant.
Coding change: c.1625-2A>G on transcript NM_004211.5 (MANE Select); the canonical splice acceptor site of the intron before coding-DNA position 1625, A replaced by G.
Molecular consequence: splice acceptor variant.
Genome position (GRCh38, 1-based): chr11:20,636,305, A>G. VCF-style: chr11-20636305-A-G. GRCh37 (hg19) VCF-style: chr11-20657851-A-G.
Other names: c.923-2A>G (NM_001318369.2).
Identifiers: ClinVar variation 4715156 (VCV004715156.1).